The following is an entry in ClinVar:

ClinVar aggregate classification (germline): Uncertain significance (1 of 4 stars; one submission).

Conditions:
Hereditary pancreatitis (PCTT). Also called: Hereditary chronic pancreatitis; PRSS1-Related Hereditary Pancreatitis. Identifiers: Orphanet 676, MedGen C0238339, MONDO:0008185, OMIM 167800.

Submission:

Ambry Genetics
Classification: Uncertain significance for Hereditary pancreatitis. Last evaluated: 2025-03-20. Review status: criteria provided, single submitter. Criteria: Ambry Variant Classification Scheme 2023. Collection method: clinical testing. Allele origin: germline.
Comment: The p.K238M variant (also known as c.713A>T), located in coding exon 7 of the CPA1 gene, results from an A to T substitution at nucleotide position 713. The lysine at codon 238 is replaced by methionine, an amino acid with similar properties. This variant was identified in 1 individual with chronic pancreatitis and 0 controls; in vitro studies demonstrated undetectable apparent CPA1 activity and secretion levels compared to wild type of 0% and 3%, respectively (Witt H et al. Nat Genet, 2013 Oct;45:1216-20). This amino acid position is highly conserved in available vertebrate species. In addition, the in silico prediction for this alteration is inconclusive. Based on the available evidence, the clinical significance of this variant remains unclear.

Literature cited by the submitters: PubMed 23955596.

NM_001868.4(CPA1):c.713A>T (p.Lys238Met)

Gene: CPA1 (carboxypeptidase A1; plus strand). Cytogenetic location: 7q32.2.
Variant type: single nucleotide variant.
Coding change: c.713A>T on transcript NM_001868.4 (MANE Select); coding-DNA position 713, A replaced by T.
Protein change: p.Lys238Met; replaces lysine 238 with methionine.
Molecular consequence: missense variant.
Genome position (GRCh38, 1-based): chr7:130,384,552, A>T. VCF-style: chr7-130384552-A-T. GRCh37 (hg19) VCF-style: chr7-130024393-A-T.
Other names: short protein forms K238M.
Identifiers: ClinVar variation 4006043 (VCV004006043.1).